The following is an entry in ClinVar:

NM_001270974.2(HYDIN):c.1077T>C (p.Asp359=)

Gene: HYDIN (HYDIN axonemal central pair apparatus protein; minus strand). Cytogenetic location: 16q22.2.
Variant type: single nucleotide variant.
Coding change: c.1077T>C on transcript NM_001270974.2 (MANE Select); coding-DNA position 1077, T replaced by C.
Protein change: p.Asp359=; no amino-acid change (aspartic acid 359 retained).
Molecular consequence: synonymous variant.
Genome position (GRCh38, 1-based): chr16:71,129,790, A>G on the plus strand (T>C on the coding strand, the complement: HYDIN is on the minus strand). VCF-style: chr16-71129790-A-G. GRCh37 (hg19) VCF-style: chr16-71163693-A-G.
Other names: c.1158T>C, p.Asp386= (NM_001198542.1); c.1128T>C, p.Asp376= (NM_001198543.1); c.1077T>C, p.Asp359= (NM_017558.5).
Identifiers: ClinVar variation 402957 (VCV000402957.9), dbSNP rs4788770, ClinGen allele CA8151437.

ClinVar aggregate classification (germline): Benign/Likely benign. Review status: criteria provided, multiple submitters, no conflicts (2 of 4 stars). 4 submissions from 4 submitters: Benign (3); Likely benign (1). Last evaluated 2024-11-27.

Allele frequency attached by ClinVar (database versions not stated): gnomAD 0.28759 and 0.29175; gnomAD exomes 0.33588; 1000 Genomes Project 30x 0.34822; ExAC 0.38474.
gnomAD v4.1: 440,499 of 1,584,486 alleles (28%); highest among the groups gnomAD compares: East Asian, 46%; 31,086 homozygotes.

Submissions (4):

Blueprint Genetics
Classification: Likely benign. Last evaluated: 2024-11-27. Review status: criteria provided, single submitter. Criteria: ACMG Guidelines, 2015. Collection method: clinical testing. Allele origin: germline.

GeneDx
Classification: Benign. Last evaluated: 2021-02-02. Review status: criteria provided, single submitter. Criteria: GeneDx Variant Classification Process June 2021. Collection method: clinical testing. Allele origin: germline. Affected: yes.

Laboratory for Molecular Medicine, Mass General Brigham Personalized Medicine
Classification: Benign. Last evaluated: 2016-03-28. Review status: criteria provided, single submitter. Criteria: LMM Criteria. Collection method: clinical testing. Allele origin: germline.
Comment: Variant identified in a genome or exome case(s) and assessed due to predicted null impact of the variant or pathogenic assertions in the literature or databases. Disclaimer: This variant has not undergone full assessment. The following are preliminary notes: Frequency

Breakthrough Genomics
Classification: Benign. Review status: criteria provided, single submitter. Criteria: ACMG Guidelines, 2015. Collection method: not provided. Allele origin: germline. Inheritance: Autosomal recessive inheritance. Affected: yes.